The following is an entry in ClinVar:

NM_005732.4(RAD50):c.2419A>G (p.Arg807Gly)

Gene: RAD50 (RAD50 double strand break repair protein; plus strand). Cytogenetic location: 5q31.1.
Variant type: single nucleotide variant.
Coding change: c.2419A>G on transcript NM_005732.4 (MANE Select); coding-DNA position 2419, A replaced by G.
Protein change: p.Arg807Gly; replaces arginine 807 with glycine.
Molecular consequence: missense variant.
Genome position (GRCh38, 1-based): chr5:132,603,941, A>G. VCF-style: chr5-132603941-A-G. GRCh37 (hg19) VCF-style: chr5-131939633-A-G.
Other names: short protein forms R807G.
Identifiers: ClinVar variation 935656 (VCV000935656.12), dbSNP rs1750933283, ClinGen allele CA360955388.

ClinVar aggregate classification (germline): Uncertain significance. Review status: criteria provided, multiple submitters, no conflicts (2 of 4 stars). 2 submissions from 2 submitters: Uncertain significance (2). Last evaluated 2024-03-24.

Conditions:
Hereditary cancer-predisposing syndrome. Also called: Tumor predisposition; Hereditary neoplastic syndrome; Hereditary Cancer Syndrome; Neoplastic Syndromes, Hereditary. Identifiers: Orphanet 140162, MedGen C0027672, MeSH D009386, MONDO:0015356.

Submissions (2):

Ambry Genetics
Classification: Uncertain significance for Hereditary cancer-predisposing syndrome. Last evaluated: 2024-03-24. Review status: criteria provided, single submitter. Criteria: Ambry Variant Classification Scheme 2023. Collection method: clinical testing. Allele origin: germline.
Comment: The p.R807G variant (also known as c.2419A>G), located in coding exon 15 of the RAD50 gene, results from an A to G substitution at nucleotide position 2419. The arginine at codon 807 is replaced by glycine, an amino acid with dissimilar properties. This amino acid position is highly conserved in available vertebrate species. In addition, this alteration is predicted to be deleterious by in silico analysis. Since supporting evidence is limited at this time, the clinical significance of this alteration remains unclear.

Labcorp Genetics (formerly Invitae), Labcorp
Classification: Uncertain significance for Hereditary cancer-predisposing syndrome. Last evaluated: 2019-07-09. Review status: criteria provided, single submitter. Criteria: Invitae Variant Classification Sherloc (09022015). Collection method: clinical testing. Allele origin: germline.
Comment: In summary, the available evidence is currently insufficient to determine the role of this variant in disease. Therefore, it has been classified as a Variant of Uncertain Significance. Algorithms developed to predict the effect of missense changes on protein structure and function are either unavailable or do not agree on the potential impact of this missense change (SIFT: "Deleterious"; PolyPhen-2: "Benign"; Align-GVGD: "Class C0"). This variant has not been reported in the literature in individuals with RAD50-related conditions. This variant is not present in population databases (ExAC no frequency). This sequence change replaces arginine with glycine at codon 807 of the RAD50 protein (p.Arg807Gly). The arginine residue is moderately conserved and there is a moderate physicochemical difference between arginine and glycine.